The following is an entry in ClinVar:

ClinVar aggregate classification (germline): Pathogenic (1 of 4 stars; one submission).

Conditions:
Retinitis pigmentosa 12 (RP12). Also called: RP WITH OR WITHOUT PPRPE; RP WITH OR WITHOUT PRESERVED PARAARTERIOLE RETINAL PIGMENT EPITHELIUM; RETINITIS PIGMENTOSA WITH OR WITHOUT PARAARTERIOLAR PRESERVATION OF RETINAL PIGMENT EPITHELIUM. Identifiers: Orphanet 791, MedGen C1838647, MONDO:0010818, OMIM 600105.
Leber congenital amaurosis 8 (LCA8). Identifiers: Orphanet 65, MedGen C3151202, MONDO:0013453, OMIM 613835.

Submission:

Labcorp Genetics (formerly Invitae), Labcorp
Classification: Pathogenic for Leber congenital amaurosis 8; Retinitis pigmentosa 12. Last evaluated: 2023-11-11. Review status: criteria provided, single submitter. Criteria: Invitae Variant Classification Sherloc (09022015). Collection method: clinical testing. Allele origin: germline.
Comment: This sequence change affects an acceptor splice site in intron 6 of the CRB1 gene. It is expected to disrupt RNA splicing. Variants that disrupt the donor or acceptor splice site typically lead to a loss of protein function (PMID: 16199547), and loss-of-function variants in CRB1 are known to be pathogenic (PMID: 10508521, 22065545, 23379534, 25412400, 26957898, 28041643, 29391521). This variant is not present in population databases (gnomAD no frequency). Disruption of this splice site has been observed in individuals with CRB1-related conditions (PMID: 27670293, 31106028, 33342761). It has also been observed to segregate with disease in related individuals. Algorithms developed to predict the effect of sequence changes on RNA splicing suggest that this variant may disrupt the consensus splice site. For these reasons, this variant has been classified as Pathogenic.

Literature cited by the submitters: PubMed 16199547; PubMed 10508521; PubMed 22065545; PubMed 23379534; PubMed 25412400; PubMed 26957898; PubMed 28041643; PubMed 29391521; PubMed 27670293; PubMed 31106028; PubMed 33342761.

NM_201253.3(CRB1):c.2129-1G>T

Gene: CRB1 (crumbs cell polarity complex component 1; plus strand). Cytogenetic location: 1q31.3.
Variant type: single nucleotide variant.
Coding change: c.2129-1G>T on transcript NM_201253.3 (MANE Select); the canonical splice acceptor site of the intron before coding-DNA position 2129, G replaced by T.
Molecular consequence: splice acceptor variant. On other transcripts: intron variant (1).
Genome position (GRCh38, 1-based): chr1:197,427,453, G>T. VCF-style: chr1-197427453-G-T. GRCh37 (hg19) VCF-style: chr1-197396583-G-T.
Other names: c.1922-1G>T (NM_001257965.2); c.2128+5497G>T (NM_001257966.2); c.1793-1G>T (NM_001193640.2).
Identifiers: ClinVar variation 2953793 (VCV002953793.3), dbSNP rs1664642051, ClinGen allele CA344036267.